The following is an entry in ClinVar:

ClinVar aggregate classification (germline): Uncertain significance. Review status: criteria provided, multiple submitters, no conflicts (2 of 4 stars). 3 submissions from 3 submitters: Uncertain significance (3). Last evaluated 2025-09-17.

Conditions:
CEACAM16-related disorder. Also called: CEACAM16-related condition.
Inborn genetic diseases. Identifiers: MedGen C0950123, MeSH D030342.

gnomAD v4.1: 17 of 1,610,208 alleles (0.0011%); highest among the groups gnomAD compares: Middle Eastern, 0.02%; no homozygotes.

Submissions (3):

PreventionGenetics, part of Exact Sciences
Classification: Uncertain significance for CEACAM16-related condition. Last evaluated: 2025-09-17. Review status: criteria provided, single submitter. Criteria: ACMG Guidelines, 2015. Collection method: clinical testing. Allele origin: germline.
Comment: The CEACAM16 c.437G>A variant is predicted to result in the amino acid substitution p.Arg146Gln. To our knowledge, this variant has not been reported in the literature. This variant is reported in 0.010% of alleles in individuals of South Asian descent in gnomAD. At this time, the clinical significance of this variant is uncertain due to the absence of conclusive functional and genetic evidence.

Labcorp Genetics (formerly Invitae), Labcorp
Classification: Uncertain significance. Last evaluated: 2023-12-22. Review status: criteria provided, single submitter. Criteria: Invitae Variant Classification Sherloc (09022015). Collection method: clinical testing. Allele origin: germline.
Comment: This sequence change replaces arginine, which is basic and polar, with glutamine, which is neutral and polar, at codon 146 of the CEACAM16 protein (p.Arg146Gln). This variant is present in population databases (rs762263810, gnomAD 0.01%). This variant has not been reported in the literature in individuals affected with CEACAM16-related conditions. ClinVar contains an entry for this variant (Variation ID: 2461940). An algorithm developed to predict the effect of missense changes on protein structure and function (PolyPhen-2) suggests that this variant is likely to be tolerated. In summary, the available evidence is currently insufficient to determine the role of this variant in disease. Therefore, it has been classified as a Variant of Uncertain Significance.

Ambry Genetics
Classification: Uncertain significance for Inborn genetic diseases. Last evaluated: 2023-03-02. Review status: criteria provided, single submitter. Criteria: Ambry Variant Classification Scheme 2023. Collection method: clinical testing. Allele origin: germline.

NM_001039213.4(CEACAM16):c.437G>A (p.Arg146Gln)

Genes: CEACAM16 (CEA cell adhesion molecule 16, tectorial membrane component; plus strand), CEACAM16-AS1 (CEACAM16, CEACAM19 and PVR antisense RNA 1; minus strand). Cytogenetic location: 19q13.32.
Variant type: single nucleotide variant.
Coding change: c.437G>A on transcript NM_001039213.4 (MANE Select); coding-DNA position 437, G replaced by A.
Protein change: p.Arg146Gln; replaces arginine 146 with glutamine.
Molecular consequence: missense variant.
Genome position (GRCh38, 1-based): chr19:44,704,072, G>A. VCF-style: chr19-44704072-G-A. GRCh37 (hg19) VCF-style: chr19-45207342-G-A.
Other names: c.437G>A (NM_001039213.3); short protein forms R146Q.
Identifiers: ClinVar variation 2461940 (VCV002461940.6), dbSNP rs762263810, ClinGen allele CA9503056.
Genomic context (GRCh38, chr19:44,704,072, plus strand): 5'-CCACAGAGATCCTGGCCCAGCCCACAGTCTTGGCCAACAGCACAGCGCTGGTGGAACGTC[G>A]AGACACCCTGCGCCTTATGTGCAGCAGCCCCAGCCCCACCGCCGAGGTCCGCTGGTTCTT-3'
Protein context (NP_001034302.2, residues 136-156): LANSTALVER[Arg146Gln]DTLRLMCSSP